The following is an entry in ClinVar:

NM_014874.4(MFN2):c.1406A>G (p.His469Arg)

Gene: MFN2 (mitofusin 2; plus strand). Cytogenetic location: 1p36.22.
Variant type: single nucleotide variant.
Coding change: c.1406A>G on transcript NM_014874.4 (MANE Select); coding-DNA position 1406, A replaced by G.
Protein change: p.His469Arg; replaces histidine 469 with arginine.
Molecular consequence: missense variant.
Genome position (GRCh38, 1-based): chr1:12,004,838, A>G. VCF-style: chr1-12004838-A-G. GRCh37 (hg19) VCF-style: chr1-12064895-A-G.
Other names: c.1406A>G, p.His469Arg (NM_001127660.2); short protein forms H469R.
Identifiers: ClinVar variation 1996846 (VCV001996846.4), dbSNP rs2523079978, ClinGen allele CA338446582.

ClinVar aggregate classification (germline): Uncertain significance (1 of 4 stars; one submission).

Conditions:
Charcot-Marie-Tooth disease type 2. Also called: Charcot-Marie-Tooth type 2. Identifiers: Orphanet 64746, MedGen C0270914, MONDO:0018993.

Submission:

Labcorp Genetics (formerly Invitae), Labcorp
Classification: Uncertain significance for Charcot-Marie-Tooth disease type 2. Last evaluated: 2022-06-09. Review status: criteria provided, single submitter. Criteria: Invitae Variant Classification Sherloc (09022015). Collection method: clinical testing. Allele origin: germline.
Comment: In summary, the available evidence is currently insufficient to determine the role of this variant in disease. Therefore, it has been classified as a Variant of Uncertain Significance. Advanced modeling of protein sequence and biophysical properties (such as structural, functional, and spatial information, amino acid conservation, physicochemical variation, residue mobility, and thermodynamic stability) performed at Invitae indicates that this missense variant is expected to disrupt MFN2 protein function. This variant has not been reported in the literature in individuals affected with MFN2-related conditions. This variant is not present in population databases (gnomAD no frequency). This sequence change replaces histidine, which is basic and polar, with arginine, which is basic and polar, at codon 469 of the MFN2 protein (p.His469Arg).